The following is an entry in ClinVar:

ClinVar aggregate classification (germline): Benign. Review status: reviewed by expert panel (3 of 4 stars). 3 submissions from 3 submitters: Benign (1). 2 of the submissions do not count toward it. Last evaluated 2024-08-07.

Conditions:
Centronuclear myopathy (CNM). Also called: Myotubular myopathy; Centronuclear myopathy, congenital. Identifiers: Orphanet 595, MedGen C0175709, MONDO:0018947. Inheritance: All.
Severe X-linked myotubular myopathy (CNMX). Also called: MYOTUBULAR MYOPATHY 1; X-linked centronuclear myopathy; Myotubular myopathy, X-linked. Identifiers: Orphanet 596, MedGen C0410203, MONDO:0010683, OMIM 310400.

Allele frequency attached by ClinVar (database versions not stated): gnomAD 0.00002; TOPMed 0.00002; ExAC 0.00003; gnomAD exomes 0.00003 and 0.00005.
gnomAD v4.1: 35 of 1,208,993 alleles (0.0029%); highest among the groups gnomAD compares: Non-Finnish European, 0.0037%; no homozygotes.

Submissions (3):

ClinGen Congenital Myopathies Variant Curation Expert Panel, ClinGen
Classification: Benign for Centronuclear myopathy. Last evaluated: 2024-08-07. Review status: reviewed by expert panel. Criteria: ClinGen CongenMyopathy ACMG Specifications MTM1 V1.0.0. Collection method: curation. Allele origin: germline. Inheritance: X-linked inheritance.
Comment: The c.1702A>G variant in MTM1 is a missense variant predicted to cause substitution of isoleucine by valine at amino acid 568. The highest population filtering allele frequency in gnomAD v4.1.0 is 0.00002629 (33/895101 alleles, 9 hemizygotes) in European (non-Finnish) population, which is higher than the ClinGen Congenital Myopathies VCEP threshold (≥0.000016) for BA1, and therefore meets this criterion (BA1). The computational predictor REVEL gives a score of 0.212, which is neither above nor below the thresholds predicting a damaging or benign impact on MTM1 function. In summary, this variant meets the criteria to be classified as benign for X-linked centronuclear myopathy based on the ACMG/AMP criteria applied, as specified by the ClinGen Congenital Myopathies VCEP: BA1. (Congenital Myopathies VCEP specifications version 1; 8/7/2024)

Labcorp Genetics (formerly Invitae), Labcorp
Classification: Benign for Severe X-linked myotubular myopathy. Last evaluated: 2026-01-24. Review status: criteria provided, single submitter. Criteria: Invitae Variant Classification Sherloc (09022015). Collection method: clinical testing. Allele origin: germline. Not counted in ClinVar's aggregate classification.

Genetic Services Laboratory, University of Chicago
Classification: Benign. Last evaluated: 2013-02-08. Review status: criteria provided, single submitter. Criteria: ACMG Guidelines, 2007. Collection method: clinical testing. Allele origin: germline. Inheritance: X-linked inheritance. Not counted in ClinVar's aggregate classification.

NM_000252.3(MTM1):c.1702A>G (p.Ile568Val)

Gene: MTM1 (myotubularin 1; plus strand). Cytogenetic location: Xq28.
Variant type: single nucleotide variant.
Coding change: c.1702A>G on transcript NM_000252.3 (MANE Select); coding-DNA position 1702, A replaced by G.
Protein change: p.Ile568Val; replaces isoleucine 568 with valine.
Molecular consequence: missense variant.
Genome position (GRCh38, 1-based): chrX:150,671,485, A>G. VCF-style: chrX-150671485-A-G. GRCh37 (hg19) VCF-style: chrX-149839958-A-G.
Other names: NM_000252.3(MTM1):c.1702A>G; p.Ile568Val; c.1699A>G, p.Ile567Val (NM_001376906.1); c.1591A>G, p.Ile531Val (NM_001376907.1); c.1702A>G, p.Ile568Val (NM_001376908.1); short protein forms I568V, I531V, I567V.
Identifiers: ClinVar variation 158952 (VCV000158952.20), dbSNP rs587783807, ClinGen allele CA172597.
Genomic context (GRCh38, chrX:150,671,485, plus strand): 5'-CAGCAGCCGAATCCAGTGGAGCAGCGTTACATGGAGCTCTTAGCCTTACGCGACGAATAC[A>G]TAAAGCGGCTTGAGGAACTGCAGCTCGCCAACTCTGCCAAGCTTTCTGATCCCCCAACTT-3'
Protein context (NP_000243.1, residues 558-578): MELLALRDEY[Ile568Val]KRLEELQLAN